The following is an entry in ClinVar:

NM_006206.6(PDGFRA):c.415A>G (p.Ile139Val)

Gene: PDGFRA (platelet derived growth factor receptor alpha; plus strand). Cytogenetic location: 4q12.
Variant type: single nucleotide variant.
Coding change: c.415A>G on transcript NM_006206.6 (MANE Select); coding-DNA position 415, A replaced by G.
Protein change: p.Ile139Val; replaces isoleucine 139 with valine.
Molecular consequence: missense variant.
Genome position (GRCh38, 1-based): chr4:54,263,714, A>G. VCF-style: chr4-54263714-A-G. GRCh37 (hg19) VCF-style: chr4-55129881-A-G.
Other names: c.415A>G, p.Ile139Val (NM_001347827.2, NM_001347829.2); c.490A>G, p.Ile164Val (NM_001347828.2); c.454A>G, p.Ile152Val (NM_001347830.2); short protein forms I139V, I152V, I164V.
Identifiers: ClinVar variation 659498 (VCV000659498.8), dbSNP rs1577709157, ClinGen allele CA356889749.

ClinVar aggregate classification (germline): Conflicting classifications of pathogenicity. Review status: criteria provided, conflicting classifications (1 of 4 stars). 2 submissions from 2 submitters: Uncertain significance (1); Likely benign (1). Last evaluated 2025-12-23.

Conditions:
Gastrointestinal stromal tumor. Also called: Gastrointestinal stromal tumor, somatic; Gastrointestinal stroma tumor. Identifiers: Orphanet 44890, MedGen C0238198, MeSH D046152, MONDO:0011719, OMIM 606764, HP:0100723.
Hereditary cancer-predisposing syndrome. Also called: Neoplastic Syndromes, Hereditary; Tumor predisposition; Hereditary Cancer Syndrome; Hereditary neoplastic syndrome. Identifiers: Orphanet 140162, MedGen C0027672, MeSH D009386, MONDO:0015356.

Allele frequency attached by ClinVar (database versions not stated): gnomAD exomes below 0.00001.
gnomAD v4.1: 3 of 1,613,922 alleles (0.00019%); highest among the groups gnomAD compares: Admixed American, 0.0017%; no homozygotes.

Submissions (2):

Labcorp Genetics (formerly Invitae), Labcorp
Classification: Uncertain significance for Gastrointestinal stromal tumor. Last evaluated: 2025-12-23. Review status: criteria provided, single submitter. Criteria: Invitae Variant Classification Sherloc (09022015). Collection method: clinical testing. Allele origin: germline.
Comment: This sequence change replaces isoleucine, which is neutral and non-polar, with valine, which is neutral and non-polar, at codon 139 of the PDGFRA protein (p.Ile139Val). This variant is not present in population databases (gnomAD no frequency). This variant has not been reported in the literature in individuals affected with PDGFRA-related conditions. ClinVar contains an entry for this variant (Variation ID: 659498). Invitae Evidence Modeling of protein sequence and biophysical properties (such as structural, functional, and spatial information, amino acid conservation, physicochemical variation, residue mobility, and thermodynamic stability) indicates that this missense variant is not expected to disrupt PDGFRA protein function with a negative predictive value of 80%. In summary, the available evidence is currently insufficient to determine the role of this variant in disease. Therefore, it has been classified as a Variant of Uncertain Significance.

Ambry Genetics
Classification: Likely benign for Hereditary cancer-predisposing syndrome. Last evaluated: 2025-05-27. Review status: criteria provided, single submitter. Criteria: Ambry Variant Classification Scheme 2023. Collection method: clinical testing. Allele origin: germline.